The following is an entry in ClinVar:

ClinVar aggregate classification (germline): Pathogenic (1 of 4 stars; one submission).

Conditions:
Infantile neuroaxonal dystrophy (NBIA2A). Also called: NEURODEGENERATION WITH BRAIN IRON ACCUMULATION 2A; SEITELBERGER DISEASE; Infantile neuroaxonal dystrophy 1. Identifiers: Orphanet 35069, MedGen C0270724, MONDO:0024457, OMIM 256600.

Submission:

Labcorp Genetics (formerly Invitae), Labcorp
Classification: Pathogenic for Infantile neuroaxonal dystrophy. Last evaluated: 2024-02-12. Review status: criteria provided, single submitter. Criteria: Invitae Variant Classification Sherloc (09022015). Collection method: clinical testing. Allele origin: germline.
Comment: This sequence change creates a premature translational stop signal (p.Glu26*) in the PLA2G6 gene. It is expected to result in an absent or disrupted protein product. Loss-of-function variants in PLA2G6 are known to be pathogenic (PMID: 16783378, 18570303, 18799783, 22213678). This variant is not present in population databases (gnomAD no frequency). This variant has not been reported in the literature in individuals affected with PLA2G6-related conditions. For these reasons, this variant has been classified as Pathogenic.

Literature cited by the submitters: PubMed 16783378; PubMed 18570303; PubMed 18799783; PubMed 22213678.

NM_003560.4(PLA2G6):c.76G>T (p.Glu26Ter)

Gene: PLA2G6 (phospholipase A2 group VI; minus strand). Cytogenetic location: 22q13.1.
Variant type: single nucleotide variant.
Coding change: c.76G>T on transcript NM_003560.4 (MANE Select); coding-DNA position 76, G replaced by T.
Protein change: p.Glu26Ter; replaces glutamic acid 26 with a stop codon.
Molecular consequence: nonsense. On other transcripts: 5 prime UTR variant (3).
Genome position (GRCh38, 1-based): chr22:38,169,351, C>A on the plus strand (G>T on the coding strand, the complement: PLA2G6 is on the minus strand). VCF-style: chr22-38169351-C-A. GRCh37 (hg19) VCF-style: chr22-38565358-C-A.
Other names: c.76G>T, p.Glu26Ter (NM_001004426.3, NM_001199562.3, NM_001349864.2 and 2 more transcripts); c.-590G>T (NM_001349867.2, NM_001349869.2); c.-415G>T (NM_001349868.2); short protein forms E26*.
Identifiers: ClinVar variation 3640305 (VCV003640305.2).
Genomic context (GRCh38, chr22:38,169,351, plus strand): 5'-GAATCAGCTGCCCTTCCTCCCGAACTCGGTCACTCGAGGTGTAGTCGGCCACAGCCACCT[C>A]CTTCACCCGGAATGGGTTAGAGAACAAGTTGGTGACGCCACTGAAGGTATTGACCAGGCG-3'